The following is an entry in ClinVar:

ClinVar aggregate classification (germline): Uncertain significance (1 of 4 stars; one submission).

Conditions:
KIF12-related disorder. Also called: KIF12-related condition.

gnomAD v4.1: 8 of 1,591,662 alleles (0.0005%); highest among the groups gnomAD compares: African/African-American, 0.0067%; no homozygotes.

Submission:

PreventionGenetics, part of Exact Sciences
Classification: Uncertain significance for KIF12-related condition. Last evaluated: 2026-05-16. Review status: criteria provided, single submitter. Criteria: ACMG Guidelines, 2015. Collection method: clinical testing. Allele origin: germline.
Comment: The KIF12 c.698C>T variant is predicted to result in the amino acid substitution p.Ala233Val. To our knowledge, this variant has not been reported in the literature. This variant is reported in 0.0062% of alleles in individuals of African descent in gnomAD. At this time, the clinical significance of this variant is uncertain due to the absence of conclusive functional and genetic evidence.

NM_001388308.1(KIF12):c.1112C>T (p.Ala371Val)

Gene: KIF12 (kinesin family member 12; minus strand). Cytogenetic location: 9q32.
Variant type: single nucleotide variant.
Coding change: c.1112C>T on transcript NM_001388308.1 (MANE Select); coding-DNA position 1112, C replaced by T.
Protein change: p.Ala371Val; replaces alanine 371 with valine.
Molecular consequence: missense variant.
Genome position (GRCh38, 1-based): chr9:114,095,030, G>A on the plus strand (C>T on the coding strand, the complement: KIF12 is on the minus strand). VCF-style: chr9-114095030-G-A. GRCh37 (hg19) VCF-style: chr9-116857310-G-A.
Other names: c.698C>T, p.Ala233Val (NM_138424.2); short protein forms A233V, A371V.
Identifiers: ClinVar variation 4982082 (VCV004982082.1).